The following is an entry in ClinVar:

ClinVar aggregate classification (germline): Conflicting classifications of pathogenicity. Review status: criteria provided, conflicting classifications (1 of 4 stars). 9 submissions from 9 submitters: Uncertain significance (1); Benign (3); Likely benign (4). 1 of the submissions does not count toward it. Last evaluated 2026-02-04.

Conditions:
Congenital nephrotic syndrome. Also called: Familial nephrotic syndrome. Identifiers: MedGen C3501848, MeSH C535761, MONDO:0002350, HP:0008677.
Finnish congenital nephrotic syndrome (NPHS1). Also called: NEPHROTIC SYNDROME, TYPE 1. Identifiers: Orphanet 839, MedGen C0403399, MONDO:0009732, OMIM 256300.

Allele frequency attached by ClinVar (database versions not stated): 1000 Genomes Project 0.00060; 1000 Genomes Project 30x 0.00062; gnomAD 0.00138 and 0.00140; ExAC 0.00164; gnomAD exomes 0.00167 and 0.00262; TOPMed 0.00167; ESP Exome Variant Server 0.00215.
gnomAD v4.1: 4,007 of 1,612,662 alleles (0.25%); highest among the groups gnomAD compares: Non-Finnish European, 0.31%; 9 homozygotes.

Submissions (9):

Labcorp Genetics (formerly Invitae), Labcorp
Classification: Benign. Last evaluated: 2026-02-04. Review status: criteria provided, single submitter. Criteria: Invitae Variant Classification Sherloc (09022015). Collection method: clinical testing. Allele origin: germline.

Blueprint Genetics
Classification: Likely benign. Last evaluated: 2024-11-26. Review status: criteria provided, single submitter. Criteria: ACMG Guidelines, 2015. Collection method: clinical testing. Allele origin: germline.

Mayo Clinic Laboratories, Mayo Clinic
Classification: Benign. Last evaluated: 2024-07-08. Review status: criteria provided, single submitter. Criteria: ACMG Guidelines, 2015. Collection method: clinical testing. Allele origin: germline. Observed: 3 variant alleles.
Comment: BS1, BS2, BP4, BP7

CeGaT Center for Human Genetics Tuebingen
Classification: Likely benign. Last evaluated: 2023-03-01. Review status: criteria provided, single submitter. Criteria: CeGaT Center For Human Genetics Tuebingen Variant Classification Criteria Version 2. Collection method: clinical testing. Allele origin: germline. Affected: yes. Observed: 1 variant allele.
Comment: NPHS1: BP4, BP7, BS2

GeneDx
Classification: Likely benign. Last evaluated: 2021-01-19. Review status: criteria provided, single submitter. Criteria: GeneDx Variant Classification Process June 2021. Collection method: clinical testing. Allele origin: germline. Affected: yes.

Athena Diagnostics
Classification: Benign. Last evaluated: 2018-01-15. Review status: criteria provided, single submitter. Criteria: Athena Diagnostics Criteria. Collection method: clinical testing. Allele origin: germline.

Illumina Laboratory Services, Illumina
Classification: Uncertain significance for Congenital nephrotic syndrome. Last evaluated: 2018-01-13. Review status: criteria provided, single submitter. Criteria: ICSL Variant Classification Criteria 13 December 2019. Collection method: clinical testing. Allele origin: germline.

Women's Health and Genetics/Laboratory Corporation of America, LabCorp
Classification: Likely benign. Last evaluated: 2016-10-17. Review status: criteria provided, single submitter. Criteria: LabCorp Variant Classification Summary - May 2015. Collection method: clinical testing. Allele origin: germline.
Comment: Variant summary: The NPHS1 c.1638T>G (p.Thr546Thr) variant causes a synonymous change involving a non-conserved nucleotide with 5/5 splice prediction tools predict no significant impact on normal splicing and ESE finder predicts alterations to ESE binding, although these predictions have yet to be functionally assessed. The variant of interest was observed in the large, broad control population, ExAC with an allele frequency of 195/119054 (1/610 including 2 homozygotes), predominantly observed in the European (Non-Finnish) cohort, 166/65658 (1/395, 1 homozygote), which does not exceed the estimated maximal expected allele frequency for a pathogenic NPHS1 variant of 1/298. The variant of interest has not, to our knowledge, been reported in affected individuals via publications and/or reputable databases/clinical diagnostic laboratories. Taken together, this variant is classified as "Likely Benign."

Natera, Inc.
Classification: Likely benign for Finnish congenital nephrotic syndrome. Last evaluated: 2019-11-11. Review status: no assertion criteria provided. Collection method: clinical testing. Allele origin: germline. Not counted in ClinVar's aggregate classification.

NM_004646.4(NPHS1):c.1638T>G (p.Thr546=)

Gene: NPHS1 (NPHS1 adhesion molecule, nephrin; minus strand). Cytogenetic location: 19q13.12.
Variant type: single nucleotide variant.
Coding change: c.1638T>G on transcript NM_004646.4 (MANE Select); coding-DNA position 1638, T replaced by G.
Protein change: p.Thr546=; no amino-acid change (threonine 546 retained).
Molecular consequence: synonymous variant.
Genome position (GRCh38, 1-based): chr19:35,845,788, A>C on the plus strand (T>G on the coding strand, the complement: NPHS1 is on the minus strand). VCF-style: chr19-35845788-A-C. GRCh37 (hg19) VCF-style: chr19-36336690-A-C.
Other names: p.Thr546=.
Identifiers: ClinVar variation 328869 (VCV000328869.44), dbSNP rs115444936, ClinGen allele CA9390367.